The following is an entry in ClinVar:

ClinVar aggregate classification (germline): Pathogenic (1 of 4 stars; one submission).

Conditions:
Intellectual developmental disorder, X-linked 1. Also called: MENTAL RETARDATION, X-LINKED 18; MENTAL RETARDATION, X-LINKED 78; Atkin Flaitz Patil Smith syndrome; Intellectual disability, X-linked 1. Identifiers: Orphanet 777, MedGen C2931498, MONDO:0010656, OMIM 309530.

Submission:

Victorian Clinical Genetics Services, Murdoch Childrens Research Institute
Classification: Pathogenic for Intellectual developmental disorder, X-linked 1. Last evaluated: 2020-10-19. Review status: criteria provided, single submitter. Criteria: ACMG Guidelines, 2015. Collection method: clinical testing. Allele origin: germline. Inheritance: X-linked inheritance.
Comment: Based on the classification scheme VCGS_Germline_v1.1.1, this variant is classified as Pathogenic. Following criteria are met: 0103 - Both loss- and gain-of-function are known mechanisms of disease for this gene. Loss of function has been demonstrated as the predominant disease mechanism for this gene, however some missense variants have been shown to impair GTP binding and cause the constitutively active protein activity (PMID: 20473311, PMID: 30842726). (N) 0110 - This gene is known to be associated with X-linked dominant disease. (N) 0201 - Variant is located in exon 5 of 15 and is predicted to cause nonsense-mediated decay (NMD) and loss of protein. (P) 0253 - Variant is hemizygous. (N) 0301 - Variant is absent from gnomAD. (P) 0701 - Comparable variants have very strong previous evidence for pathogenicity. Other variants predicted to cause NMD have been reported as pathogenic in individuals with IQSEC2-related X-linked intellectual disability (ClinVar). (P) 0807 - Variant has not previously been reported in a clinical context. (P) Legend: (P) - Pathogenic, (N) - Neutral, (B) - Benign

Literature cited by the submitters: PubMed 20473311; PubMed 30842726.

NM_001111125.3(IQSEC2):c.1507dup (p.Glu503fs)

Gene: IQSEC2 (IQ motif and Sec7 domain ArfGEF 2; minus strand). Cytogenetic location: Xp11.22.
Variant type: Duplication.
Coding change: c.1507dup on transcript NM_001111125.3 (MANE Select); coding-DNA position 1507, one base duplicated (G; older notation c.1507dupG).
Protein change: p.Glu503fs; shifts the reading frame from glutamic acid 503.
Molecular consequence: frameshift variant.
Genome position (GRCh38, 1-based): chrX:53,251,069, C duplicated on the plus strand (G on the coding strand, the reverse complement: IQSEC2 is on the minus strand); the first of 2 consecutive C bases (chrX:53,251,069-53,251,070); duplicating either gives the same sequence. VCF-style (leftmost placement, unchanged base first): chrX-53251068-T-TC. GRCh37 (hg19) VCF-style: chrX-53280250-T-TC.
Other names: c.1506dup, p.Glu503Glyfs (NM_001410736.1); c.892dup, p.Glu298fs (NM_015075.2); short protein forms E298fs, E503fs.
Identifiers: ClinVar variation 1805712 (VCV001805712.2), dbSNP rs2519809935, ClinGen allele CA923726306.